The following is an entry in ClinVar:

ClinVar aggregate classification (germline): Likely benign. Review status: criteria provided, multiple submitters, no conflicts (2 of 4 stars). 2 submissions from 2 submitters: Likely benign (2). Last evaluated 2023-02-23.

Conditions:
Microcephaly, normal intelligence and immunodeficiency (NBS). Also called: BERLIN BREAKAGE SYNDROME; Immunodeficiency, microcephaly with normal intelligence; Nijmegen breakage syndrome; Microcephaly with normal intelligence immunodeficiency and lymphoreticular malignancies; Nonsyndromal microcephaly autosomal recessive with normal intelligence; Seemanova syndrome 2. Identifiers: Orphanet 647, MedGen C0398791, MONDO:0009623, OMIM 251260.

Allele frequency attached by ClinVar (database versions not stated): gnomAD 0.00001.

Submissions (2):

Labcorp Genetics (formerly Invitae), Labcorp
Classification: Likely benign for Microcephaly, normal intelligence and immunodeficiency. Last evaluated: 2023-02-23. Review status: criteria provided, single submitter. Criteria: Invitae Variant Classification Sherloc (09022015). Collection method: clinical testing. Allele origin: germline.

GeneDx
Classification: Likely benign. Last evaluated: 2016-09-07. Review status: criteria provided, single submitter. Criteria: GeneDx Variant Classification (06012015). Collection method: clinical testing. Allele origin: germline. Affected: yes.
Comment: This variant is considered likely benign or benign based on one or more of the following criteria: it is a conservative change, it occurs at a poorly conserved position in the protein, it is predicted to be benign by multiple in silico algorithms, and/or has population frequency not consistent with disease.

NM_002485.5(NBN):c.38-8T>C

Gene: NBN (nibrin; minus strand). Cytogenetic location: 8q21.3.
Variant type: single nucleotide variant.
Coding change: c.38-8T>C on transcript NM_002485.5 (MANE Select); 8 bases into the intron before coding-DNA position 38, T replaced by C.
Molecular consequence: intron variant.
Genome position (GRCh38, 1-based): chr8:89,982,863, A>G on the plus strand (T>C on the coding strand, the complement: NBN is on the minus strand). VCF-style: chr8-89982863-A-G. GRCh37 (hg19) VCF-style: chr8-90995091-A-G.
Other names: c.-259-8T>C (NM_001024688.3).
Identifiers: ClinVar variation 389166 (VCV000389166.4), dbSNP rs62531987, ClinGen allele CA16605434.